The following is an entry in ClinVar:

ClinVar aggregate classification (germline): Pathogenic (1 of 4 stars; one submission).

Conditions:
Meckel syndrome, type 11 (MKS11). Identifiers: Orphanet 564, MedGen C3809352, MONDO:0014164, OMIM 615397.
Joubert syndrome 20 (JBTS20). Identifiers: Orphanet 475, MedGen C3554235, MONDO:0013994, OMIM 614970.

Submission:

Labcorp Genetics (formerly Invitae), Labcorp
Classification: Pathogenic for Joubert syndrome 20; Meckel syndrome, type 11. Last evaluated: 2021-09-05. Review status: criteria provided, single submitter. Criteria: Invitae Variant Classification Sherloc (09022015). Collection method: clinical testing. Allele origin: germline.
Comment: This variant is a gross deletion of the genomic region encompassing exon(s) 4-6 of the TMEM231 gene, which includes the termination codon. This deletion extends beyond the assayed region for this gene and therefore may encompass additional genes. While this deletion is not anticipated to lead to nonsense mediated decay, it is expected to alter mRNA translation or result in a truncated protein product. This variant has not been reported in the literature in individuals affected with TMEM231-related conditions. This variant disrupts a region of the TMEM231 protein in which other variant(s) (p.Asp262Asn) have been determined to be pathogenic (PMID: 23012439, 27449316). This suggests that this is a clinically significant region of the protein, and that variants that disrupt it are likely to be disease-causing. For these reasons, this variant has been classified as Pathogenic.

Literature cited by the submitters: PubMed 23012439; PubMed 27449316.

NC_000016.9:g.(?_75490611)_(75576599_?)del

Genes: TMEM231 (transmembrane protein 231; minus strand), TMEM170A (transmembrane protein 170A; minus strand), CHST6 (carbohydrate sulfotransferase 6; minus strand), CHST5 (carbohydrate sulfotransferase 5; minus strand). Cytogenetic location: 16q23.1.
Variant type: Deletion.
Identifiers: ClinVar variation 1457752 (VCV001457752.1).